The following is an entry in ClinVar:

NM_001692.4(ATP6V1B1):c.521T>C (p.Met174Thr)

Gene: ATP6V1B1 (ATPase H+ transporting V1 subunit B1; plus strand). Cytogenetic location: 2p13.3.
Variant type: single nucleotide variant.
Coding change: c.521T>C on transcript NM_001692.4 (MANE Select); coding-DNA position 521, T replaced by C.
Protein change: p.Met174Thr; replaces methionine 174 with threonine.
Molecular consequence: missense variant.
Genome position (GRCh38, 1-based): chr2:70,960,014, T>C. VCF-style: chr2-70960014-T-C. GRCh37 (hg19) VCF-style: chr2-71187144-T-C.
Other names: short protein forms M174T.
Identifiers: ClinVar variation 4536321 (VCV004536321.1).
Genomic context (GRCh38, chr2:70,960,014, plus strand): 5'-CGCACTCCCGCATCTACCCCGAGGAGATGATTCAGACGGGCATTTCTCCTATTGACGTCA[T>C]GAACAGCATTGCCCGCGGCCAGAAGATCCCCATCTTCTCAGCAGCCGGGCTCCCCCACAA-3'
Protein context (NP_001683.2, residues 164-184): IQTGISPIDV[Met174Thr]NSIARGQKIP

ClinVar aggregate classification (germline): Uncertain significance (1 of 4 stars; one submission).

Submission:

GeneDx
Classification: Uncertain significance. Last evaluated: 2025-06-05. Review status: criteria provided, single submitter. Criteria: GeneDx Variant Classification Process June 2021. Collection method: clinical testing. Allele origin: germline. Affected: yes.
Comment: Not observed at significant frequency in large population cohorts (gnomAD); In silico analysis supports that this missense variant has a deleterious effect on protein structure/function; Has not been previously published as pathogenic or benign to our knowledge